The following is an entry in ClinVar:

NM_001267550.2(TTN):c.189T>G (p.Ala63=)

Gene: TTN (titin; minus strand). Cytogenetic location: 2q31.2.
Variant type: single nucleotide variant.
Coding change: c.189T>G on transcript NM_001267550.2 (MANE Select); coding-DNA position 189, T replaced by G.
Protein change: p.Ala63=; no amino-acid change (alanine 63 retained).
Molecular consequence: synonymous variant.
Genome position (GRCh38, 1-based): chr2:178,802,244, A>C on the plus strand (T>G on the coding strand, the complement: TTN is on the minus strand). VCF-style: chr2-178802244-A-C. GRCh37 (hg19) VCF-style: chr2-179666971-A-C.
Other names: c.189T>G, p.Ala63= (NM_003319.4, NM_133378.4, NM_133379.5 and 3 more transcripts).
Identifiers: ClinVar variation 392774 (VCV000392774.10), dbSNP rs1057520389, ClinGen allele CA16604059.

ClinVar aggregate classification (germline): Likely benign. Review status: criteria provided, multiple submitters, no conflicts (2 of 4 stars). 2 submissions from 2 submitters: Likely benign (2). Last evaluated 2024-05-23.

Conditions:
Autosomal recessive limb-girdle muscular dystrophy type 2J (LGMDR10). Also called: Limb-girdle muscular dystrophy, type 2J; MUSCULAR DYSTROPHY, LIMB-GIRDLE, AUTOSOMAL RECESSIVE 10. Identifiers: Orphanet 140922, MedGen C1837342, MONDO:0012127, OMIM 608807.
Dilated cardiomyopathy 1G (CMD1G). Identifiers: Orphanet 154, MedGen C1858763, MONDO:0011400, OMIM 604145.

Submissions (2):

Labcorp Genetics (formerly Invitae), Labcorp
Classification: Likely benign for Dilated cardiomyopathy 1G; Autosomal recessive limb-girdle muscular dystrophy type 2J. Last evaluated: 2024-05-23. Review status: criteria provided, single submitter. Criteria: Invitae Variant Classification Sherloc (09022015). Collection method: clinical testing. Allele origin: germline.

GeneDx
Classification: Likely benign. Last evaluated: 2017-01-12. Review status: criteria provided, single submitter. Criteria: GeneDx Variant Classification (06012015). Collection method: clinical testing. Allele origin: germline. Affected: yes.
Comment: This variant is considered likely benign or benign based on one or more of the following criteria: it is a conservative change, it occurs at a poorly conserved position in the protein, it is predicted to be benign by multiple in silico algorithms, and/or has population frequency not consistent with disease.